The following is an entry in ClinVar:

NM_020163.3(SEMA3G):c.301C>G (p.Gln101Glu)

Gene: SEMA3G (semaphorin 3G; minus strand). Cytogenetic location: 3p21.1.
Variant type: single nucleotide variant.
Coding change: c.301C>G on transcript NM_020163.3 (MANE Select); coding-DNA position 301, C replaced by G.
Protein change: p.Gln101Glu; replaces glutamine 101 with glutamic acid.
Molecular consequence: missense variant.
Genome position (GRCh38, 1-based): chr3:52,442,597, G>C on the plus strand (C>G on the coding strand, the complement: SEMA3G is on the minus strand). VCF-style: chr3-52442597-G-C. GRCh37 (hg19) VCF-style: chr3-52476613-G-C.
Other names: c.301C>G (NM_020163.2); short protein forms Q101E.
Identifiers: ClinVar variation 3159755 (VCV003159755.2), dbSNP rs774815066, ClinGen allele CA2438388.
Genomic context (GRCh38, chr3:52,442,597, plus strand): 5'-CATCCCTCCCGACAGCACTCACCAAAGGATCTCTTCCCTTTCGAACACACTCCTCCCTCT[G>C]TCCTGGCTGCGGTGGCCACAGGACCTGGAACACAGCCCCGCTGACCTCAGGTCCTCCCCT-3'
Protein context (NP_064548.1, residues 91-111): REVLWPPQPG[Gln101Glu]REECVRKGRD

ClinVar aggregate classification (germline): Uncertain significance. Review status: criteria provided, multiple submitters, no conflicts (2 of 4 stars). 2 submissions from 2 submitters: Uncertain significance (2). Last evaluated 2025-01-29.

Conditions:
SEMA3G-related disorder. Also called: SEMA3G-related condition.

Allele frequency attached by ClinVar (database versions not stated): gnomAD exomes 0.00001; ExAC 0.00002; gnomAD 0.00003; TOPMed 0.00009.
gnomAD v4.1: 23 of 1,614,000 alleles (0.0014%); highest among the groups gnomAD compares: Admixed American, 0.0083%; no homozygotes.

Submissions (2):

PreventionGenetics, part of Exact Sciences
Classification: Uncertain significance for SEMA3G-related condition. Last evaluated: 2025-01-29. Review status: criteria provided, single submitter. Criteria: ACMG Guidelines, 2015. Collection method: clinical testing. Allele origin: germline.
Comment: The SEMA3G c.301C>G variant is predicted to result in the amino acid substitution p.Gln101Glu. To our knowledge, this variant has not been reported in the literature. This variant is reported in 0.0040% of alleles in individuals of African descent in gnomAD. At this time, the clinical significance of this variant is uncertain due to the absence of conclusive functional and genetic evidence.

Ambry Genetics
Classification: Uncertain significance. Last evaluated: 2023-11-28. Review status: criteria provided, single submitter. Criteria: Ambry Variant Classification Scheme 2023. Collection method: clinical testing. Allele origin: germline.